The following is an entry in ClinVar:

ClinVar aggregate classification (germline): Uncertain significance (1 of 4 stars; one submission).

Submission:

Labcorp Genetics (formerly Invitae), Labcorp
Classification: Uncertain significance. Last evaluated: 2024-05-11. Review status: criteria provided, single submitter. Criteria: Invitae Variant Classification Sherloc (09022015). Collection method: clinical testing. Allele origin: germline.
Comment: This sequence change replaces alanine, which is neutral and non-polar, with aspartic acid, which is acidic and polar, at codon 318 of the GATA5 protein (p.Ala318Asp). This variant is not present in population databases (gnomAD no frequency). This variant has not been reported in the literature in individuals affected with GATA5-related conditions. Advanced modeling of protein sequence and biophysical properties (such as structural, functional, and spatial information, amino acid conservation, physicochemical variation, residue mobility, and thermodynamic stability) performed at Invitae indicates that this missense variant is not expected to disrupt GATA5 protein function with a negative predictive value of 80%. In summary, the available evidence is currently insufficient to determine the role of this variant in disease. Therefore, it has been classified as a Variant of Uncertain Significance.

NM_080473.5(GATA5):c.953C>A (p.Ala318Asp)

Gene: GATA5 (GATA binding protein 5; minus strand). Cytogenetic location: 20q13.33.
Variant type: single nucleotide variant.
Coding change: c.953C>A on transcript NM_080473.5 (MANE Select); coding-DNA position 953, C replaced by A.
Protein change: p.Ala318Asp; replaces alanine 318 with aspartic acid.
Molecular consequence: missense variant.
Genome position (GRCh38, 1-based): chr20:62,465,425, G>T on the plus strand (C>A on the coding strand, the complement: GATA5 is on the minus strand). VCF-style: chr20-62465425-G-T. GRCh37 (hg19) VCF-style: chr20-61040481-G-T.
Other names: short protein forms A318D.
Identifiers: ClinVar variation 3653033 (VCV003653033.2).